The following is an entry in ClinVar:

NM_001358530.2(MOCS1):c.1015C>T (p.Arg339Trp)

Gene: MOCS1 (molybdenum cofactor synthesis 1; minus strand). Cytogenetic location: 6p21.2.
Variant type: single nucleotide variant.
Coding change: c.1015C>T on transcript NM_001358530.2 (MANE Select); coding-DNA position 1015, C replaced by T.
Protein change: p.Arg339Trp; replaces arginine 339 with tryptophan.
Molecular consequence: missense variant. On other transcripts: non-coding transcript variant (1).
Genome position (GRCh38, 1-based): chr6:39,909,922, G>A on the plus strand (C>T on the coding strand, the complement: MOCS1 is on the minus strand). VCF-style: chr6-39909922-G-A. GRCh37 (hg19) VCF-style: chr6-39877666-G-A.
Other names: p.Arg339Trp; c.1015C>T, p.Arg339Trp (NM_001075098.4, NM_001358529.2, NM_005943.6); c.754C>T, p.Arg252Trp (NM_001358531.2, NM_001358533.2, NM_001358534.2); short protein forms R339W, R252W.
Identifiers: ClinVar variation 242559 (VCV000242559.65), dbSNP rs148579886, ClinGen allele CA053157.
Genomic context (GRCh38, chr6:39,909,922, plus strand): 5'-CAGCAGCCCCAATGATTCTCAGCAGCTCCTGCTCAGAGGCCCCAGCTCGCAGGTGATCCC[G>A]CAGGGATACCTCAGAGTTTCCAAAGAGGCAGACCTACATGTGGGTGAGGACAATATGCCT-3'
Protein context (NP_001345459.1, residues 329-349): CLFGNSEVSL[Arg339Trp]DHLRAGASEQ

ClinVar aggregate classification (germline): Conflicting classifications of pathogenicity. Review status: criteria provided, conflicting classifications (1 of 4 stars). 11 submissions from 11 submitters: Uncertain significance (4); Benign (1); Likely benign (3). 3 of the submissions do not count toward it. Last evaluated 2026-02-01.

Conditions:
MOCS1-related disorder. Also called: MOCS1-related condition.
Inborn genetic diseases. Identifiers: MedGen C0950123, MeSH D030342.
Sulfite oxidase deficiency due to molybdenum cofactor deficiency type A. Also called: Molybdenum Cofactor Deficiency A; Molybdenum cofactor deficiency, complementation group A. Identifiers: Orphanet 308386, Orphanet 833, MedGen C1854988, MONDO:0009643, OMIM 252150.
Intellectual disability. Also called: intellectual disabilities; Intellectual functioning disability; Intellectual developmental disorder. Identifiers: MedGen C3714756, MeSH D008607, MONDO:0001071, HP:0001249.

Allele frequency attached by ClinVar (database versions not stated): ESP Exome Variant Server 0.00023; 1000 Genomes Project 0.00040; ExAC 0.00043; gnomAD 0.00043; TOPMed 0.00043; gnomAD exomes 0.00045 and 0.00072; 1000 Genomes Project 30x 0.00062.
gnomAD v4.1: 1,109 of 1,613,708 alleles (0.069%); highest among the groups gnomAD compares: Non-Finnish European, 0.08%; 2 homozygotes.

Submissions (11):

Labcorp Genetics (formerly Invitae), Labcorp
Classification: Benign for Sulfite oxidase deficiency due to molybdenum cofactor deficiency type A. Last evaluated: 2026-02-01. Review status: criteria provided, single submitter. Criteria: Invitae Variant Classification Sherloc (09022015). Collection method: clinical testing. Allele origin: germline.

CeGaT Center for Human Genetics Tuebingen
Classification: Likely benign. Last evaluated: 2025-12-01. Review status: criteria provided, single submitter. Criteria: CeGaT Center For Human Genetics Tuebingen Variant Classification Criteria Version 2. Collection method: clinical testing. Allele origin: germline. Affected: yes. Observed: 2 variant alleles.
Comment: MOCS1: PP3, BS2

Women's Health and Genetics/Laboratory Corporation of America, LabCorp
Classification: Uncertain significance. Last evaluated: 2025-07-16. Review status: criteria provided, single submitter. Criteria: LabCorp Variant Classification Summary - May 2015. Collection method: clinical testing. Allele origin: germline.
Comment: Variant summary: MOCS1 c.1015C>T (p.Arg339Trp) results in a non-conservative amino acid change in the encoded protein sequence. Algorithms developed to predict the effect of missense changes on protein structure and function all suggest that this variant is likely to be disruptive. The variant allele was found at a frequency of 0.00045 in 251044 control chromosomes in the gnomAD database, including 2 homozygotes. This frequency is not significantly higher than estimated for a pathogenic variant in MOCS1 causing Sulfite Oxidase Deficiency Due To Molybdenum Cofactor Deficiency Type A, allowing no conclusion about variant significance. To our knowledge, no occurrence of c.1015C>T in individuals affected with Sulfite Oxidase Deficiency Due To Molybdenum Cofactor Deficiency Type A and no experimental evidence demonstrating its impact on protein function have been reported. ClinVar contains an entry for this variant (Variation ID: 242559). Based on the evidence outlined above, the variant was classified as uncertain significance.

Mayo Clinic Laboratories, Mayo Clinic
Classification: Uncertain significance. Last evaluated: 2025-07-11. Review status: criteria provided, single submitter. Criteria: ACMG Guidelines, 2015. Collection method: clinical testing. Allele origin: germline. Observed: 1 variant allele.
Comment: BS2, PP3_moderate

Ambry Genetics
Classification: Uncertain significance for Inborn genetic diseases. Last evaluated: 2025-02-27. Review status: criteria provided, single submitter. Criteria: Ambry Variant Classification Scheme 2023. Collection method: clinical testing. Allele origin: germline.
Comment: The c.1015C>T (p.R339W) alteration is located in exon 8 (coding exon 8) of the MOCS1 gene. This alteration results from a C to T substitution at nucleotide position 1015, causing the arginine (R) at amino acid position 339 to be replaced by a tryptophan (W). The p.R339W alteration is predicted to be deleterious by in silico analysis. Based on insufficient or conflicting evidence, the clinical significance of this alteration remains unclear.

Blueprint Genetics
Classification: Likely benign. Last evaluated: 2024-10-31. Review status: criteria provided, single submitter. Criteria: ACMG Guidelines, 2015. Collection method: clinical testing. Allele origin: germline.

Mendelics
Classification: Likely benign for Sulfite oxidase deficiency due to molybdenum cofactor deficiency type A. Last evaluated: 2019-05-28. Review status: criteria provided, single submitter. Criteria: Mendelics Assertion Criteria 2017. Collection method: clinical testing. Allele origin: unknown.

Illumina Laboratory Services, Illumina
Classification: Uncertain significance for Sulfite oxidase deficiency due to molybdenum cofactor deficiency type A. Last evaluated: 2018-01-13. Review status: criteria provided, single submitter. Criteria: ICSL Variant Classification Criteria 13 December 2019. Collection method: clinical testing. Allele origin: germline.

PreventionGenetics, part of Exact Sciences
Classification: Likely benign for MOCS1-related condition. Last evaluated: 2023-10-03. Review status: no assertion criteria provided. Collection method: clinical testing. Allele origin: germline. Not counted in ClinVar's aggregate classification.
Comment: This variant is classified as likely benign based on ACMG/AMP sequence variant interpretation guidelines (Richards et al. 2015 PMID: 25741868, with internal and published modifications).

Centre de Biologie Pathologie Génétique, Centre Hospitalier Universitaire de Lille
Classification: Likely benign for Intellectual disability. Last evaluated: 2019-01-01. Review status: no assertion criteria provided. Collection method: clinical testing. Allele origin: inherited. Affected: yes. Not counted in ClinVar's aggregate classification.

Department of Pathology and Laboratory Medicine, Sinai Health System
Classification: Benign. Review status: no assertion criteria provided. Collection method: clinical testing. Allele origin: unknown. Affected: yes. Study: The Canadian Open Genetics Repository (COGR). Not counted in ClinVar's aggregate classification.
Comment: The MOCS1 p.Arg339Trp variant was not identified in the literature but was identified in dbSNP (ID: rs148579886) and ClinVar (classified as uncertain significance by CeGaT Praxis fuer Humangenetik Tuebingen; classified as likely benign by Mendelics when found in combination with the p.E285K variant) and LOVD 3.0 (classified as likely benign). The variant was identified in control databases in 125 of 282406 chromosomes (2 homozygous) at a frequency of 0.0004426 increasing the likelihood this could be a low frequency benign variant (Genome Aggregation Database March 6, 2019, v2.1.1). The variant was observed in the following populations: Other in 6 of 7218 chromosomes (freq: 0.000831), South Asian in 20 of 30614 chromosomes (freq: 0.000653), Latino in 23 of 35422 chromosomes (freq: 0.000649), European (non-Finnish) in 69 of 129164 chromosomes (freq: 0.000534), Ashkenazi Jewish in 4 of 10370 chromosomes (freq: 0.000386), East Asian in 1 of 19954 chromosomes (freq: 0.00005), European (Finnish) in 1 of 24706 chromosomes (freq: 0.00004), and African in 1 of 24958 chromosomes (freq: 0.00004). The p.Arg339 residue is conserved across mammals and other organisms, and computational analyses (PolyPhen-2, SIFT, AlignGVGD, BLOSUM, MutationTaster) suggest that the variant may impact the protein; however, this information is not predictive enough to assume pathogenicity. The variant occurs outside of the splicing consensus sequence and in silico or computational prediction software programs (SpliceSiteFinder, MaxEntScan, NNSPLICE, GeneSplicer) do not predict a difference in splicing. In summary, based on the above information this variant meets our laboratory's criteria to be classified as benign.